The following is an entry in ClinVar:

NM_001082538.3(TCTN1):c.83C>T (p.Pro28Leu)

Gene: TCTN1 (tectonic family member 1; plus strand). Cytogenetic location: 12q24.11.
Variant type: single nucleotide variant.
Coding change: c.83C>T on transcript NM_001082538.3 (MANE Select); coding-DNA position 83, C replaced by T.
Protein change: p.Pro28Leu; replaces proline 28 with leucine.
Molecular consequence: missense variant. On other transcripts: 5 prime UTR variant (4), non-coding transcript variant (1).
Genome position (GRCh38, 1-based): chr12:110,614,265, C>T. VCF-style: chr12-110614265-C-T. GRCh37 (hg19) VCF-style: chr12-111052070-C-T.
Other names: c.83C>T, p.Pro28Leu (NM_001082537.3, NM_001319680.2, NM_024549.6); c.-147C>T (NM_001173975.3, NM_001319682.3); c.-174C>T (NM_001173976.2); c.-625C>T (NM_001319681.2); short protein forms P28L.
Identifiers: ClinVar variation 1007959 (VCV001007959.9), dbSNP rs1305265141, ClinGen allele CA386700564.
Genomic context (GRCh38, chr12:110,614,265, plus strand): 5'-CGCTCCTGGTGGTGCTCCTGGGCTGCTGGGCCTCCGTGAGCGCCCAGACCGATGCCACCC[C>T]GGCGGTGACGACAGAGGGCCTCAACTCCACCGAGGCAGCCCTGGCCACCTTCGGAACTTT-3'
Protein context (NP_001076007.1, residues 18-38): ASVSAQTDAT[Pro28Leu]AVTTEGLNST

ClinVar aggregate classification (germline): Uncertain significance (1 of 4 stars; one submission).

Conditions:
Joubert syndrome. Also called: Familial aplasia of the vermis; CEREBELLOPARENCHYMAL DISORDER IV; JOUBERT-BOLTSHAUSER SYNDROME. Identifiers: Orphanet 475, MedGen C5979921, MONDO:0018772.
Meckel-Gruber syndrome. Also called: Dysencephalia splachnocystica; DYSENCEPHALIA SPLANCHNOCYSTICA; GRUBER SYNDROME. Identifiers: Orphanet 564, MedGen C0265215, MONDO:0018921.

Allele frequency attached by ClinVar (database versions not stated): TOPMed below 0.00001; gnomAD 0.00001; gnomAD exomes below 0.00001.
gnomAD v4.1: 3 of 1,595,332 alleles (0.00019%); highest among the groups gnomAD compares: Non-Finnish European, 0.00026%; no homozygotes.

Submission:

Labcorp Genetics (formerly Invitae), Labcorp
Classification: Uncertain significance for Joubert syndrome; Meckel-Gruber syndrome. Last evaluated: 2020-10-27. Review status: criteria provided, single submitter. Criteria: Invitae Variant Classification Sherloc (09022015). Collection method: clinical testing. Allele origin: germline.
Comment: This sequence change replaces proline with leucine at codon 28 of the TCTN1 protein (p.Pro28Leu). The proline residue is highly conserved and there is a moderate physicochemical difference between proline and leucine. This variant is not present in population databases (ExAC no frequency). This variant has not been reported in the literature in individuals with TCTN1-related conditions. Algorithms developed to predict the effect of missense changes on protein structure and function output the following: SIFT: "Deleterious"; PolyPhen-2: "Benign"; Align-GVGD: "Class C0". The leucine amino acid residue is found in multiple mammalian species, suggesting that this missense change does not adversely affect protein function. These predictions have not been confirmed by published functional studies and their clinical significance is uncertain. In summary, the available evidence is currently insufficient to determine the role of this variant in disease. Therefore, it has been classified as a Variant of Uncertain Significance.